The following is an entry in ClinVar:

NM_005045.4(RELN):c.373A>G (p.Met125Val)

Gene: RELN (reelin; minus strand). Cytogenetic location: 7q22.1.
Variant type: single nucleotide variant.
Coding change: c.373A>G on transcript NM_005045.4 (MANE Select); coding-DNA position 373, A replaced by G.
Protein change: p.Met125Val; replaces methionine 125 with valine.
Molecular consequence: missense variant.
Genome position (GRCh38, 1-based): chr7:103,833,637, T>C on the plus strand (A>G on the coding strand, the complement: RELN is on the minus strand). VCF-style: chr7-103833637-T-C. GRCh37 (hg19) VCF-style: chr7-103474084-T-C.
Other names: c.373A>G, p.Met125Val (NM_173054.3); short protein forms M125V.
Identifiers: ClinVar variation 4792808 (VCV004792808.1).

ClinVar aggregate classification (germline): Uncertain significance (1 of 4 stars; one submission).

Conditions:
Norman-Roberts syndrome (LIS2). Also called: Lissencephaly 2 (Norman-Roberts type). Identifiers: Orphanet 89844, MedGen C0796089, MONDO:0009760, OMIM 257320.
Familial temporal lobe epilepsy 7. Identifiers: Orphanet 101046, MedGen C4225327, MONDO:0014639, OMIM 616436.

Submission:

Labcorp Genetics (formerly Invitae), Labcorp
Classification: Uncertain significance for Familial temporal lobe epilepsy 7; Norman-Roberts syndrome. Last evaluated: 2025-09-17. Review status: criteria provided, single submitter. Criteria: Invitae Variant Classification Sherloc (09022015). Collection method: clinical testing. Allele origin: germline.
Comment: This sequence change replaces methionine, which is neutral and non-polar, with valine, which is neutral and non-polar, at codon 125 of the RELN protein (p.Met125Val). This variant is present in population databases (rs748558975, gnomAD 0.003%). This variant has not been reported in the literature in individuals affected with RELN-related conditions. Invitae Evidence Modeling of protein sequence and biophysical properties (such as structural, functional, and spatial information, amino acid conservation, physicochemical variation, residue mobility, and thermodynamic stability) indicates that this missense variant is not expected to disrupt RELN protein function with a negative predictive value of 80%. In summary, the available evidence is currently insufficient to determine the role of this variant in disease. Therefore, it has been classified as a Variant of Uncertain Significance.